The following is an entry in ClinVar:

ClinVar aggregate classification (germline): Conflicting classifications of pathogenicity. Review status: criteria provided, conflicting classifications (1 of 4 stars). 2 submissions from 2 submitters: Uncertain significance (1); Likely benign (1). Last evaluated 2025-03-18.

Conditions:
Hereditary pancreatitis (PCTT). Also called: Hereditary chronic pancreatitis; PRSS1-Related Hereditary Pancreatitis. Identifiers: Orphanet 676, MedGen C0238339, MONDO:0008185, OMIM 167800.

Allele frequency attached by ClinVar (database versions not stated): gnomAD exomes below 0.00001; TOPMed 0.00001.

Submissions (2):

Labcorp Genetics (formerly Invitae), Labcorp
Classification: Uncertain significance. Last evaluated: 2025-03-18. Review status: criteria provided, single submitter. Criteria: Invitae Variant Classification Sherloc (09022015). Collection method: clinical testing. Allele origin: germline.
Comment: This sequence change replaces isoleucine, which is neutral and non-polar, with valine, which is neutral and non-polar, at codon 249 of the CPA1 protein (p.Ile249Val). This variant is not present in population databases (gnomAD no frequency). This variant has not been reported in the literature in individuals affected with CPA1-related conditions. ClinVar contains an entry for this variant (Variation ID: 1759003). Invitae Evidence Modeling of protein sequence and biophysical properties (such as structural, functional, and spatial information, amino acid conservation, physicochemical variation, residue mobility, and thermodynamic stability) indicates that this missense variant is not expected to disrupt CPA1 protein function with a negative predictive value of 80%. In summary, the available evidence is currently insufficient to determine the role of this variant in disease. Therefore, it has been classified as a Variant of Uncertain Significance.

Ambry Genetics
Classification: Likely benign for Hereditary pancreatitis. Last evaluated: 2021-07-23. Review status: criteria provided, single submitter. Criteria: Ambry Variant Classification Scheme 2023. Collection method: clinical testing. Allele origin: germline.

NM_001868.4(CPA1):c.745A>G (p.Ile249Val)

Gene: CPA1 (carboxypeptidase A1; plus strand). Cytogenetic location: 7q32.2.
Variant type: single nucleotide variant.
Coding change: c.745A>G on transcript NM_001868.4 (MANE Select); coding-DNA position 745, A replaced by G.
Protein change: p.Ile249Val; replaces isoleucine 249 with valine.
Molecular consequence: missense variant.
Genome position (GRCh38, 1-based): chr7:130,384,584, A>G. VCF-style: chr7-130384584-A-G. GRCh37 (hg19) VCF-style: chr7-130024425-A-G.
Other names: short protein forms I249V.
Identifiers: ClinVar variation 1759003 (VCV001759003.3), dbSNP rs1796448992, ClinGen allele CA369282980.